The following is an entry in ClinVar:

NM_000183.3(HADHB):c.91C>G (p.Gln31Glu)

Gene: HADHB (hydroxyacyl-CoA dehydrogenase trifunctional multienzyme complex subunit beta; plus strand). Cytogenetic location: 2p23.3.
Variant type: single nucleotide variant.
Coding change: c.91C>G on transcript NM_000183.3 (MANE Select); coding-DNA position 91, C replaced by G.
Protein change: p.Gln31Glu; replaces glutamine 31 with glutamic acid.
Molecular consequence: missense variant. On other transcripts: 5 prime UTR variant (1).
Genome position (GRCh38, 1-based): chr2:26,254,456, C>G. VCF-style: chr2-26254456-C-G. GRCh37 (hg19) VCF-style: chr2-26477324-C-G.
Other names: c.91C>G, p.Gln31Glu (NM_001281512.2); c.-59C>G (NM_001281513.2); short protein forms Q31E.
Identifiers: ClinVar variation 2145161 (VCV002145161.1), dbSNP rs764825824, ClinGen allele CA1560081.

ClinVar aggregate classification (germline): Uncertain significance (1 of 4 stars; one submission).

Conditions:
Mitochondrial trifunctional protein deficiency. Identifiers: Orphanet 746, MedGen C1969443, MONDO:0012172.

gnomAD v4.1: 5 of 1,599,562 alleles (0.00031%); highest among the groups gnomAD compares: Admixed American, 0.0033%; no homozygotes.

Submission:

Labcorp Genetics (formerly Invitae), Labcorp
Classification: Uncertain significance for Mitochondrial trifunctional protein deficiency. Last evaluated: 2022-09-19. Review status: criteria provided, single submitter. Criteria: Invitae Variant Classification Sherloc (09022015). Collection method: clinical testing. Allele origin: germline.
Comment: This sequence change replaces glutamine, which is neutral and polar, with glutamic acid, which is acidic and polar, at codon 31 of the HADHB protein (p.Gln31Glu). This variant is present in population databases (rs764825824, gnomAD 0.006%). This variant has not been reported in the literature in individuals affected with HADHB-related conditions. Algorithms developed to predict the effect of missense changes on protein structure and function (SIFT, PolyPhen-2, Align-GVGD) all suggest that this variant is likely to be tolerated. In summary, the available evidence is currently insufficient to determine the role of this variant in disease. Therefore, it has been classified as a Variant of Uncertain Significance.